The following is an entry in ClinVar:

NM_175914.5(HNF4A):c.1060G>T (p.Gly354Ter)

Gene: HNF4A (hepatocyte nuclear factor 4 alpha; plus strand). Cytogenetic location: 20q13.12.
Variant type: single nucleotide variant.
Coding change: c.1060G>T on transcript NM_175914.5 (MANE Select); coding-DNA position 1060, G replaced by T.
Protein change: p.Gly354Ter; replaces glycine 354 with a stop codon.
Molecular consequence: nonsense.
Genome position (GRCh38, 1-based): chr20:44,424,251, G>T. VCF-style: chr20-44424251-G-T. GRCh37 (hg19) VCF-style: chr20-43052891-G-T.
Other names: c.1126G>T, p.Gly376Ter (NM_000457.6, NM_178849.3, NM_178850.3); c.1060G>T, p.Gly354Ter (NM_001030003.3, NM_001030004.3); c.1105G>T, p.Gly369Ter (NM_001258355.2); c.1051G>T, p.Gly351Ter (NM_001287182.2, NM_001287183.2, NM_001287184.2); short protein forms G351*, G354*, G369*, G376*.
Identifiers: ClinVar variation 3765865 (VCV003765865.1).

ClinVar aggregate classification (germline): Likely pathogenic (1 of 4 stars; one submission).

Conditions:
HNF4A-related disorder. Also called: HNF4A-related condition.

Submission:

Greenwood Genetic Center Diagnostic Laboratories, Greenwood Genetic Center
Classification: Likely pathogenic for HNF4A-related disorder. Last evaluated: 2024-07-25. Review status: criteria provided, single submitter. Criteria: ACMG Guidelines, 2015. Collection method: clinical testing. Allele origin: germline. Affected: yes.
Comment: PVS1, PM2